The following is an entry in ClinVar:

NM_015443.4(KANSL1):c.316A>G (p.Thr106Ala)

Gene: KANSL1 (KAT8 regulatory NSL complex subunit 1). Cytogenetic location: 17q21.31.
Variant type: single nucleotide variant.
Coding change: c.316A>G on transcript NM_015443.4 (MANE Select); coding-DNA position 316, A replaced by G.
Protein change: p.Thr106Ala; replaces threonine 106 with alanine.
Molecular consequence: missense variant.
Genome position (GRCh38, 1-based): chr17:46,171,828, T>C on the plus strand (A>G on the coding strand, the complement: KANSL1 is on the minus strand). VCF-style: chr17-46171828-T-C. GRCh37 (hg19) VCF-style: chr17-44249194-T-C.
Other names: c.316A>G, p.Thr106Ala (NM_001193465.2, NM_001193466.2, NM_001379198.1); short protein forms T106A.
Identifiers: ClinVar variation 408956 (VCV000408956.8), dbSNP rs371450753, ClinGen allele CA8619071.

ClinVar aggregate classification (germline): Uncertain significance. Review status: criteria provided, multiple submitters, no conflicts (2 of 4 stars). 3 submissions from 3 submitters: Uncertain significance (3). Last evaluated 2024-10-08.

Conditions:
Inborn genetic diseases. Identifiers: MedGen C0950123, MeSH D030342.
Koolen-de Vries syndrome (KDVS). Identifiers: Orphanet 96169, MedGen C1864871, MONDO:0012496, OMIM 610443.

Allele frequency attached by ClinVar (database versions not stated): gnomAD 0.00001 and 0.00002; gnomAD exomes 0.00001 and 0.00003; ExAC 0.00002; TOPMed 0.00002; ESP Exome Variant Server 0.00008.
gnomAD v4.1: 48 of 1,614,088 alleles (0.003%); highest among the groups gnomAD compares: Non-Finnish European, 0.0039%; no homozygotes.

Submissions (3):

Ambry Genetics
Classification: Uncertain significance for Inborn genetic diseases. Last evaluated: 2024-10-08. Review status: criteria provided, single submitter. Criteria: Ambry Variant Classification Scheme 2023. Collection method: clinical testing. Allele origin: germline.

Labcorp Genetics (formerly Invitae), Labcorp
Classification: Uncertain significance for Koolen-de Vries syndrome. Last evaluated: 2023-10-13. Review status: criteria provided, single submitter. Criteria: Invitae Variant Classification Sherloc (09022015). Collection method: clinical testing. Allele origin: germline.
Comment: Due to the possible presence of a polymorphic segmental duplication, the location of the variant could not be unambiguously resolved. Variants with ambiguous mapping are still reported relative to the KANSL1 transcript. This sequence change replaces threonine with alanine at codon 106 of the KANSL1 protein (p.Thr106Ala). The threonine residue is highly conserved and there is a small physicochemical difference between threonine and alanine. The frequency data for this variant in the population databases (gnomAD) is considered unreliable due to the presence of homologous sequence, such as pseudogenes or paralogs, in the genome. This variant has not been reported in the literature in individuals with KANSL1-related conditions. ClinVar contains an entry for this variant (Variation ID: 408956). Advanced modeling of protein sequence and biophysical properties (such as structural, functional, and spatial information, amino acid conservation, physicochemical variation, residue mobility, and thermodynamic stability) performed at Invitae indicates that this missense variant is not expected to disrupt KANSL1 protein function. Until the location of this sequence change can be resolved, the clinical significance of this variant remains uncertain. It has been classified as a Variant of Uncertain Significance.

Fulgent Genetics
Classification: Uncertain significance for Koolen-de Vries syndrome. Last evaluated: 2022-05-03. Review status: criteria provided, single submitter. Criteria: ACMG Guidelines, 2015. Collection method: clinical testing. Allele origin: unknown.